The following is an entry in ClinVar:

NM_000719.7(CACNA1C):c.5933A>C (p.Glu1978Ala)

Genes: CACNA1C (calcium voltage-gated channel subunit alpha1 C; plus strand), CACNA1C-AS1 (CACNA1C antisense RNA 1; minus strand). Cytogenetic location: 12p13.33.
Variant type: single nucleotide variant.
Coding change: c.5933A>C on transcript NM_000719.7 (MANE Select); coding-DNA position 5933, A replaced by C.
Protein change: p.Glu1978Ala; replaces glutamic acid 1978 with alanine.
Molecular consequence: missense variant.
Genome position (GRCh38, 1-based): chr12:2,688,595, A>C. VCF-style: chr12-2688595-A-C. GRCh37 (hg19) VCF-style: chr12-2797761-A-C.
Other names: c.6077A>C, p.Glu2026Ala (NM_001129827.2); c.6056A>C, p.Glu2019Ala (NM_001129829.2); c.6038A>C, p.Glu2013Ala (NM_001129830.3, NM_001167624.3); c.6017A>C, p.Glu2006Ala (NM_001129831.2); c.5993A>C, p.Glu1998Ala (NM_001129832.2); c.5990A>C, p.Glu1997Ala (NM_001129833.2, NM_001129834.2, NM_001129835.2); c.5984A>C, p.Glu1995Ala (NM_001129836.2); c.5957A>C, p.Glu1986Ala (NM_001129837.2, NM_001129838.2); and 6 more; short protein forms E1986A, E1998A, E2013A, E1997A, E2006A, E2026A, E1978A, E1984A.
Identifiers: ClinVar variation 4765147 (VCV004765147.1).
Genomic context (GRCh38, chr12:2,688,595, plus strand): 5'-CACCTGGCAGCCGAGGCTGGCCCCCACAGCCCGTCCCCACCCTGCGGCTTGAGGGGGTCG[A>C]GTCCAGTGAGAAACTCAACAGCAGCTTCCCATCCATCCACTGCGGCTCCTGGGCTGAGAC-3'
Protein context (NP_000710.5, residues 1968-1988): PVPTLRLEGV[Glu1978Ala]SSEKLNSSFP

ClinVar aggregate classification (germline): Uncertain significance (1 of 4 stars; one submission).

Conditions:
Long QT syndrome (LQTS). Identifiers: MedGen C0023976, MeSH D008133, MONDO:0002442. Disease mechanism: loss of function. Inheritance: Various modes of inheritance.

Submission:

Labcorp Genetics (formerly Invitae), Labcorp
Classification: Uncertain significance for Long QT syndrome. Last evaluated: 2025-10-03. Review status: criteria provided, single submitter. Criteria: Invitae Variant Classification Sherloc (09022015). Collection method: clinical testing. Allele origin: germline.
Comment: This sequence change replaces glutamic acid, which is acidic and polar, with alanine, which is neutral and non-polar, at codon 1978 of the CACNA1C protein (p.Glu1978Ala). This variant is not present in population databases (gnomAD no frequency). This variant has not been reported in the literature in individuals affected with CACNA1C-related conditions. Invitae Evidence Modeling of protein sequence and biophysical properties (such as structural, functional, and spatial information, amino acid conservation, physicochemical variation, residue mobility, and thermodynamic stability) indicates that this missense variant is not expected to disrupt CACNA1C protein function with a negative predictive value of 95%. In summary, the available evidence is currently insufficient to determine the role of this variant in disease. Therefore, it has been classified as a Variant of Uncertain Significance.